The following is an entry in ClinVar:

ClinVar aggregate classification (germline): Uncertain significance (1 of 4 stars; one submission).

gnomAD v4.1: 3 of 1,614,116 alleles (0.00019%); highest among the groups gnomAD compares: East Asian, 0.0022%; no homozygotes.

Submission:

Labcorp Genetics (formerly Invitae), Labcorp
Classification: Uncertain significance. Last evaluated: 2024-06-19. Review status: criteria provided, single submitter. Criteria: Invitae Variant Classification Sherloc (09022015). Collection method: clinical testing. Allele origin: germline.
Comment: This sequence change replaces threonine, which is neutral and polar, with alanine, which is neutral and non-polar, at codon 152 of the SNIP1 protein (p.Thr152Ala). This variant is present in population databases (rs780535249, gnomAD 0.003%). This variant has not been reported in the literature in individuals affected with SNIP1-related conditions. Advanced modeling of protein sequence and biophysical properties (such as structural, functional, and spatial information, amino acid conservation, physicochemical variation, residue mobility, and thermodynamic stability) performed at Invitae indicates that this missense variant is not expected to disrupt SNIP1 protein function with a negative predictive value of 80%. In summary, the available evidence is currently insufficient to determine the role of this variant in disease. Therefore, it has been classified as a Variant of Uncertain Significance.

NM_024700.4(SNIP1):c.454A>G (p.Thr152Ala)

Genes: SNIP1 (Smad nuclear interacting protein 1; minus strand), LOC126805704 (BRD4-independent group 4 enhancer GRCh37_chr1:38005292-38006491; plus strand). Cytogenetic location: 1p34.3.
Variant type: single nucleotide variant.
Coding change: c.454A>G on transcript NM_024700.4 (MANE Select); coding-DNA position 454, A replaced by G.
Protein change: p.Thr152Ala; replaces threonine 152 with alanine.
Molecular consequence: missense variant.
Genome position (GRCh38, 1-based): chr1:37,540,629, T>C on the plus strand (A>G on the coding strand, the complement: SNIP1 is on the minus strand). VCF-style: chr1-37540629-T-C. GRCh37 (hg19) VCF-style: chr1-38006230-T-C.
Other names: short protein forms T152A.
Identifiers: ClinVar variation 3673009 (VCV003673009.2).